The following is an entry in ClinVar:

NM_001145809.2(MYH14):c.1382G>T (p.Arg461Leu)

Gene: MYH14 (myosin heavy chain 14; plus strand). Cytogenetic location: 19q13.33.
Variant type: single nucleotide variant.
Coding change: c.1382G>T on transcript NM_001145809.2 (MANE Select); coding-DNA position 1382, G replaced by T.
Protein change: p.Arg461Leu; replaces arginine 461 with leucine.
Molecular consequence: missense variant.
Genome position (GRCh38, 1-based): chr19:50,249,039, G>T. VCF-style: chr19-50249039-G-T. GRCh37 (hg19) VCF-style: chr19-50752296-G-T.
Other names: c.1382G>T (NM_001145809.1); c.1382G>T, p.Arg461Leu (NM_001077186.2); c.1358G>T, p.Arg453Leu (NM_024729.4); short protein forms R453L, R461L.
Identifiers: ClinVar variation 1342111 (VCV001342111.7), dbSNP rs370353590, ClinGen allele CA9592617.

ClinVar aggregate classification (germline): Uncertain significance. Review status: criteria provided, multiple submitters, no conflicts (2 of 4 stars). 3 submissions from 3 submitters: Uncertain significance (3). Last evaluated 2025-10-13.

Conditions:
MYH14-related disorder. Also called: MYH14-related condition.

Allele frequency attached by ClinVar (database versions not stated): ESP Exome Variant Server 0.00016.
gnomAD v4.1: 114 of 1,613,176 alleles (0.0071%); highest among the groups gnomAD compares: Middle Eastern, 0.016%; no homozygotes.

Submissions (3):

PreventionGenetics, part of Exact Sciences
Classification: Uncertain significance for MYH14-related condition. Last evaluated: 2025-10-13. Review status: criteria provided, single submitter. Criteria: ACMG Guidelines, 2015. Collection method: clinical testing. Allele origin: germline.
Comment: The MYH14 c.1382G>T variant is predicted to result in the amino acid substitution p.Arg461Leu. To our knowledge, this variant has not been reported in the literature. This variant is reported in 0.0066% of alleles in individuals of South Asian descent in gnomAD. At this time, the clinical significance of this variant is uncertain due to the absence of conclusive functional and genetic evidence.

Labcorp Genetics (formerly Invitae), Labcorp
Classification: Uncertain significance. Last evaluated: 2021-09-01. Review status: criteria provided, single submitter. Criteria: Invitae Variant Classification Sherloc (09022015). Collection method: clinical testing. Allele origin: germline.
Comment: This sequence change replaces arginine with leucine at codon 453 of the MYH14 protein (p.Arg453Leu). The arginine residue is highly conserved and there is a moderate physicochemical difference between arginine and leucine. This variant is present in population databases (rs370353590, ExAC 0.007%). This variant has not been reported in the literature in individuals affected with MYH14-related conditions. Algorithms developed to predict the effect of missense changes on protein structure and function are either unavailable or do not agree on the potential impact of this missense change (SIFT: "Deleterious"; PolyPhen-2: "Benign"; Align-GVGD: "Class C65"). In summary, the available evidence is currently insufficient to determine the role of this variant in disease. Therefore, it has been classified as a Variant of Uncertain Significance.

GeneDx
Classification: Uncertain significance. Last evaluated: 2021-08-17. Review status: criteria provided, single submitter. Criteria: GeneDx Variant Classification Process June 2021. Collection method: clinical testing. Allele origin: germline. Affected: yes.
Comment: In silico analysis supports that this missense variant has a deleterious effect on protein structure/function; Has not been previously published as pathogenic or benign to our knowledge